The following is an entry in ClinVar:

ClinVar aggregate classification (germline): Uncertain significance (1 of 4 stars; one submission).

Conditions:
Lowe syndrome (OCRL). Also called: LOWE OCULOCEREBRORENAL SYNDROME; PHOSPHATIDYLINOSITOL 4,5-BISPHOSPHATE 5-PHOSPHATASE DEFICIENCY; Oculocerebrorenal Syndrome. Identifiers: Orphanet 534, MedGen C0028860, MONDO:0010645, OMIM 309000.

Submission:

Labcorp Genetics (formerly Invitae), Labcorp
Classification: Uncertain significance for Lowe syndrome. Last evaluated: 2024-09-30. Review status: criteria provided, single submitter. Criteria: Invitae Variant Classification Sherloc (09022015). Collection method: clinical testing. Allele origin: germline.
Comment: This sequence change replaces glutamine, which is neutral and polar, with arginine, which is basic and polar, at codon 594 of the OCRL protein (p.Gln594Arg). This variant is not present in population databases (gnomAD no frequency). This variant has not been reported in the literature in individuals affected with OCRL-related conditions. Invitae Evidence Modeling of protein sequence and biophysical properties (such as structural, functional, and spatial information, amino acid conservation, physicochemical variation, residue mobility, and thermodynamic stability) has been performed for this missense variant. However, the output from this modeling did not meet the statistical confidence thresholds required to predict the impact of this variant on OCRL protein function. In summary, the available evidence is currently insufficient to determine the role of this variant in disease. Therefore, it has been classified as a Variant of Uncertain Significance.

NM_000276.4(OCRL):c.1781A>G (p.Gln594Arg)

Gene: OCRL (OCRL inositol polyphosphate-5-phosphatase; plus strand). Cytogenetic location: Xq26.1.
Variant type: single nucleotide variant.
Coding change: c.1781A>G on transcript NM_000276.4 (MANE Select); coding-DNA position 1781, A replaced by G.
Protein change: p.Gln594Arg; replaces glutamine 594 with arginine.
Molecular consequence: missense variant.
Genome position (GRCh38, 1-based): chrX:129,575,964, A>G. VCF-style: chrX-129575964-A-G. GRCh37 (hg19) VCF-style: chrX-128709941-A-G.
Other names: c.1784A>G, p.Gln595Arg (NM_001318784.2); c.1781A>G, p.Gln594Arg (NM_001587.4); short protein forms Q594R, Q595R.
Identifiers: ClinVar variation 3703466 (VCV003703466.2).